The following is an entry in ClinVar:

ClinVar aggregate classification (germline): Uncertain significance (1 of 4 stars; one submission).

Conditions:
Hereditary cancer-predisposing syndrome. Also called: Neoplastic Syndromes, Hereditary; Tumor predisposition; Hereditary Cancer Syndrome; Hereditary neoplastic syndrome. Identifiers: Orphanet 140162, MedGen C0027672, MeSH D009386, MONDO:0015356.

Allele frequency attached by ClinVar (database versions not stated): gnomAD exomes below 0.00001.
gnomAD v4.1: 3 of 1,613,866 alleles (0.00019%); highest among the groups gnomAD compares: Middle Eastern, 0.017%; no homozygotes.

Submission:

Ambry Genetics
Classification: Uncertain significance for Hereditary cancer-predisposing syndrome. Last evaluated: 2024-03-31. Review status: criteria provided, single submitter. Criteria: Ambry Variant Classification Scheme 2023. Collection method: clinical testing. Allele origin: germline.
Comment: The p.P375S variant (also known as c.1123C>T), located in coding exon 10 of the MRE11A gene, results from a C to T substitution at nucleotide position 1123. The proline at codon 375 is replaced by serine, an amino acid with similar properties. This amino acid position is well conserved in available vertebrate species. In addition, this alteration is predicted to be tolerated by in silico analysis. Since supporting evidence is limited at this time, the clinical significance of this alteration remains unclear.

NM_005591.4(MRE11):c.1123C>T (p.Pro375Ser)

Gene: MRE11 (MRE11 double strand break repair nuclease; minus strand). Cytogenetic location: 11q21.
Variant type: single nucleotide variant.
Coding change: c.1123C>T on transcript NM_005591.4 (MANE Select); coding-DNA position 1123, C replaced by T.
Protein change: p.Pro375Ser; replaces proline 375 with serine.
Molecular consequence: missense variant.
Genome position (GRCh38, 1-based): chr11:94,464,215, G>A on the plus strand (C>T on the coding strand, the complement: MRE11 is on the minus strand). VCF-style: chr11-94464215-G-A. GRCh37 (hg19) VCF-style: chr11-94197381-G-A.
Other names: c.1123C>T, p.Pro375Ser (NM_001330347.2, NM_005590.4); short protein forms P375S.
Identifiers: ClinVar variation 1799851 (VCV001799851.3), dbSNP rs1946500512, ClinGen allele CA382372998.